The following is an entry in ClinVar:

NM_000218.3(KCNQ1):c.1667T>A (p.Ile556Asn)

Gene: KCNQ1 (potassium voltage-gated channel subfamily Q member 1; plus strand). Cytogenetic location: 11p15.5.
Variant type: single nucleotide variant.
Coding change: c.1667T>A on transcript NM_000218.3 (MANE Select); coding-DNA position 1667, T replaced by A.
Protein change: p.Ile556Asn; replaces isoleucine 556 with asparagine.
Molecular consequence: missense variant.
Genome position (GRCh38, 1-based): chr11:2,776,036, T>A. VCF-style: chr11-2776036-T-A. GRCh37 (hg19) VCF-style: chr11-2797266-T-A.
Other names: c.1571T>A, p.Ile524Asn (NM_001406836.1); c.1397T>A, p.Ile466Asn (NM_001406837.1); c.1127T>A, p.Ile376Asn (NM_001406838.1); c.1286T>A, p.Ile429Asn (NM_181798.2); short protein forms I376N, I429N, I466N, I524N, I556N.
Identifiers: ClinVar variation 3386946 (VCV003386946.1).

ClinVar aggregate classification (germline): Uncertain significance (1 of 4 stars; one submission).

Conditions:
Long QT syndrome (LQTS). Identifiers: MedGen C0023976, MeSH D008133, MONDO:0002442. Disease mechanism: loss of function. Inheritance: Various modes of inheritance.

Submission:

All of Us Research Program, National Institutes of Health
Classification: Uncertain significance for Long QT syndrome. Last evaluated: 2024-08-23. Review status: criteria provided, single submitter. Criteria: ACMG Guidelines, 2015. Collection method: clinical testing. Allele origin: germline. Inheritance: Autosomal dominant inheritance. Observed: 1 variant allele, 1 heterozygote.
Comment: This missense variant replaces isoleucine with asparagine at codon 556 of the KCNQ1 protein. Computational prediction suggests that this variant may have deleterious impact on protein structure and function. To our knowledge, functional studies have not been reported for this variant. This variant has not been reported in individuals affected with KCNQ1-related disorders in the literature. This variant has not been identified in the general population by the Genome Aggregation Database (gnomAD). The available evidence is insufficient to determine the role of this variant in disease conclusively. Therefore, this variant is classified as a Variant of Uncertain Significance.

This study involves interpretation of variants in research participants for the purpose of population health screening. Participant phenotype was not available at the time of variant classification. Additional details can be found in publication PMID: 35346344, PMCID: PMC8962531